The following is an entry in ClinVar:

ClinVar aggregate classification (germline): Likely benign. Review status: criteria provided, multiple submitters, no conflicts (2 of 4 stars). 2 submissions from 2 submitters: Likely benign (2). Last evaluated 2026-05-14.

Conditions:
Neurofibromatosis, type 1 (NF1). Also called: VON RECKLINGHAUSEN DISEASE; NEUROFIBROMATOSIS, TYPE I, SOMATIC; Neurofibromatosis, type I; Peripheral type neurofibromatosis. Identifiers: Orphanet 636, MedGen C0027831, MONDO:0018975, OMIM 162200. Disease mechanism: loss of function.

Allele frequency attached by ClinVar (database versions not stated): ExAC 0.00001; gnomAD exomes below 0.00001.
gnomAD v4.1: 4 of 1,613,496 alleles (0.00025%); highest among the groups gnomAD compares: South Asian, 0.0044%; no homozygotes.

Submissions (2):

Myriad Genetics, Inc.
Classification: Likely benign for Neurofibromatosis, type 1. Last evaluated: 2026-05-14. Review status: criteria provided, single submitter. Criteria: Myriad Autosomal Dominant, Autosomal Recessive and X-Linked Classification Criteria (2023). Collection method: clinical testing. Allele origin: unknown.
Comment: This variant is considered likely benign. This variant is intronic and is not expected to impact mRNA splicing.

Labcorp Genetics (formerly Invitae), Labcorp
Classification: Likely benign for Neurofibromatosis, type 1. Last evaluated: 2025-12-02. Review status: criteria provided, single submitter. Criteria: Invitae Variant Classification Sherloc (09022015). Collection method: clinical testing. Allele origin: germline.

NM_001042492.3(NF1):c.7739-16C>T

Gene: NF1 (neurofibromin 1; plus strand). Cytogenetic location: 17q11.2.
Variant type: single nucleotide variant.
Coding change: c.7739-16C>T on transcript NM_001042492.3 (MANE Select); 16 bases into the intron before coding-DNA position 7739, C replaced by T.
Molecular consequence: intron variant.
Genome position (GRCh38, 1-based): chr17:31,356,944, C>T. VCF-style: chr17-31356944-C-T. GRCh37 (hg19) VCF-style: chr17-29683962-C-T.
Other names: c.7676-16C>T (NM_000267.4).
Identifiers: ClinVar variation 1630718 (VCV001630718.9), dbSNP rs752306621, ClinGen allele CA8487655.